The following is an entry in ClinVar:

NM_000052.7(ATP7A):c.3013G>T (p.Gly1005Ter)

Gene: ATP7A (ATPase copper transporting alpha; plus strand). Cytogenetic location: Xq21.1.
Variant type: single nucleotide variant.
Coding change: c.3013G>T on transcript NM_000052.7 (MANE Select); coding-DNA position 3013, G replaced by T.
Protein change: p.Gly1005Ter; replaces glycine 1005 with a stop codon.
Molecular consequence: nonsense.
Genome position (GRCh38, 1-based): chrX:78,029,346, G>T. VCF-style: chrX-78029346-G-T. GRCh37 (hg19) VCF-style: chrX-77284843-G-T.
Other names: c.2779G>T, p.Gly927Ter (NM_001282224.2); short protein forms G1005*, G927*.
Identifiers: ClinVar variation 1726181 (VCV001726181.3), dbSNP rs1569550143, ClinGen allele CA413603205.
Genomic context (GRCh38, chrX:78,029,346, plus strand): 5'-ATACGATTTGCTTTCCAAGCCTCTATCACAGTTCTGTGTATTGCATGTCCCTGTTCACTG[G>T]GACTGGCCACTCCAACTGCTGTGATGGTGGGTACAGGAGTAGGTGCTCAAAATGGCATAC-3'

ClinVar aggregate classification (germline): Likely pathogenic (1 of 4 stars; one submission).

Conditions:
Menkes kinky-hair syndrome (MNK). Also called: Copper transport disease; Classic Menkes Disease; Menkes Disease. Identifiers: Orphanet 565, MedGen C0022716, MONDO:0010651, OMIM 309400.

Submission:

Myriad Genetics, Inc.
Classification: Likely pathogenic for Menkes kinky-hair syndrome. Last evaluated: 2022-05-20. Review status: criteria provided, single submitter. Criteria: Myriad Autosomal Dominant, Autosomal Recessive and X-Linked Classification Criteria (2023). Collection method: clinical testing. Allele origin: unknown.
Comment: NM_000052.5(ATP7A):c.3013G>T(G1005*) is expected to be pathogenic in the context of ATP7A-related disorders. This variant is predicted to lead to an abnormal or absent protein product due to the creation of a premature termination codon in ATP7A, a gene where loss-of-function variants are known to be pathogenic. Please note: this variant was assessed in the context of healthy population screening.